The following is an entry in ClinVar:

ClinVar aggregate classification (germline): Uncertain significance (1 of 4 stars; one submission).

Conditions:
Neuropathy, hereditary motor and sensory, type 6B (HMSN6B). Also called: Neuropathy, hereditary motor and sensory, type VIB; HMSN VIB; CHARCOT-MARIE-TOOTH DISEASE, TYPE 6B; NEUROPATHY, HEREDITARY MOTOR AND SENSORY, TYPE VIB, WITH OPTIC ATROPHY. Identifiers: MedGen C4225302, MONDO:0014671, OMIM 616505.

gnomAD v4.1: 1 of 1,576,936 alleles (0.000063%); highest among the groups gnomAD compares: Non-Finnish European, 0.000086%; no homozygotes.

Submission:

Labcorp Genetics (formerly Invitae), Labcorp
Classification: Uncertain significance for Neuropathy, hereditary motor and sensory, type 6B. Last evaluated: 2021-08-02. Review status: criteria provided, single submitter. Criteria: Invitae Variant Classification Sherloc (09022015). Collection method: clinical testing. Allele origin: germline.
Comment: In summary, the available evidence is currently insufficient to determine the role of this variant in disease. Therefore, it has been classified as a Variant of Uncertain Significance. Algorithms developed to predict the effect of missense changes on protein structure and function are either unavailable or do not agree on the potential impact of this missense change (SIFT: "Deleterious"; PolyPhen-2: "Benign"; Align-GVGD: "Class C0"). This variant has not been reported in the literature in individuals affected with SLC25A46-related conditions. This variant is not present in population databases (ExAC no frequency). This sequence change replaces arginine with leucine at codon 53 of the SLC25A46 protein (p.Arg53Leu). The arginine residue is moderately conserved and there is a moderate physicochemical difference between arginine and leucine.

NM_138773.4(SLC25A46):c.158G>T (p.Arg53Leu)

Gene: SLC25A46 (solute carrier family 25 member 46; plus strand). Cytogenetic location: 5q22.1.
Variant type: single nucleotide variant.
Coding change: c.158G>T on transcript NM_138773.4 (MANE Select); coding-DNA position 158, G replaced by T.
Protein change: p.Arg53Leu; replaces arginine 53 with leucine.
Molecular consequence: missense variant. On other transcripts: non-coding transcript variant (1), intron variant (1).
Genome position (GRCh38, 1-based): chr5:110,739,277, G>T. VCF-style: chr5-110739277-G-T. GRCh37 (hg19) VCF-style: chr5-110074978-G-T.
Other names: c.158G>T, p.Arg53Leu (NM_001303249.3); c.10+1030G>T (NM_001303250.3); short protein forms R53L.
Identifiers: ClinVar variation 1395592 (VCV001395592.6), dbSNP rs867841573, ClinGen allele CA360693261.